The following is an entry in ClinVar:

ClinVar aggregate classification (germline): Pathogenic (1 of 4 stars; one submission).

Submission:

Labcorp Genetics (formerly Invitae), Labcorp
Classification: Pathogenic. Last evaluated: 2024-12-24. Review status: criteria provided, single submitter. Criteria: Invitae Variant Classification Sherloc (09022015). Collection method: clinical testing. Allele origin: germline.
Comment: This sequence change creates a premature translational stop signal (p.Gln193*) in the TNFRSF11B gene. It is expected to result in an absent or disrupted protein product. Loss-of-function variants in TNFRSF11B are known to be pathogenic (PMID: 9647741, 26762549). This variant is not present in population databases (gnomAD no frequency). This variant has not been reported in the literature in individuals affected with TNFRSF11B-related conditions. For these reasons, this variant has been classified as Pathogenic.

Literature cited by the submitters: PubMed 9647741; PubMed 26762549.

NM_002546.4(TNFRSF11B):c.577C>T (p.Gln193Ter)

Gene: TNFRSF11B (TNF receptor superfamily member 11b; minus strand). Cytogenetic location: 8q24.12.
Variant type: single nucleotide variant.
Coding change: c.577C>T on transcript NM_002546.4 (MANE Select); coding-DNA position 577, C replaced by T.
Protein change: p.Gln193Ter; replaces glutamine 193 with a stop codon.
Molecular consequence: nonsense.
Genome position (GRCh38, 1-based): chr8:118,928,753, G>A on the plus strand (C>T on the coding strand, the complement: TNFRSF11B is on the minus strand). VCF-style: chr8-118928753-G-A. GRCh37 (hg19) VCF-style: chr8-119940992-G-A.
Other names: short protein forms Q193*.
Identifiers: ClinVar variation 3674589 (VCV003674589.2).
Genomic context (GRCh38, chr8:118,928,753, plus strand): 5'-TGATACTACAAAATCGTACAAAGACGTATTTTGGAATGTAATTACCTATTCCACATTTTT[G>A]AGTTGATTCACTGTTTCCGGAACATATGTTGTCGTGTGTTGCATTTCCTTTCTGAGTTAG-3'